The following is an entry in ClinVar:

ClinVar aggregate classification (germline): Uncertain significance. Review status: criteria provided, single submitter (1 of 4 stars). 2 submissions from 2 submitters: Uncertain significance (1). 1 of the submissions does not count toward it. Last evaluated 2024-09-06.

Conditions:
CEP83-related disorder. Also called: CEP83-related condition.
Nephronophthisis 18 (NPHP18). Identifiers: Orphanet 655, MedGen C3890591, MONDO:0014374, OMIM 615862.

Allele frequency attached by ClinVar (database versions not stated): gnomAD 0.00001; gnomAD exomes 0.00001; TOPMed 0.00001; ExAC 0.00002; 1000 Genomes Project 30x 0.00016; 1000 Genomes Project 0.00020.
gnomAD v4.1: 13 of 1,611,172 alleles (0.00081%); highest among the groups gnomAD compares: South Asian, 0.0033%; no homozygotes.

Submissions (2):

Labcorp Genetics (formerly Invitae), Labcorp
Classification: Uncertain significance for Nephronophthisis 18. Last evaluated: 2024-09-06. Review status: criteria provided, single submitter. Criteria: Invitae Variant Classification Sherloc (09022015). Collection method: clinical testing. Allele origin: germline.
Comment: This sequence change replaces arginine, which is basic and polar, with cysteine, which is neutral and slightly polar, at codon 195 of the CEP83 protein (p.Arg195Cys). This variant is present in population databases (rs550020211, gnomAD 0.003%). This variant has not been reported in the literature in individuals affected with CEP83-related conditions. ClinVar contains an entry for this variant (Variation ID: 1401209). Invitae Evidence Modeling of protein sequence and biophysical properties (such as structural, functional, and spatial information, amino acid conservation, physicochemical variation, residue mobility, and thermodynamic stability) indicates that this missense variant is not expected to disrupt CEP83 protein function with a negative predictive value of 80%. In summary, the available evidence is currently insufficient to determine the role of this variant in disease. Therefore, it has been classified as a Variant of Uncertain Significance.

PreventionGenetics, part of Exact Sciences
Classification: Uncertain significance for CEP83-related condition. Last evaluated: 2024-04-12. Review status: no assertion criteria provided. Collection method: clinical testing. Allele origin: germline. Not counted in ClinVar's aggregate classification.
Comment: The CEP83 c.583C>T variant is predicted to result in the amino acid substitution p.Arg195Cys. To our knowledge, this variant has not been reported in the literature. This variant is reported in 0.0029% of alleles in individuals of Latino descent in gnomAD. At this time, the clinical significance of this variant is uncertain due to the absence of conclusive functional and genetic evidence.

NM_016122.3(CEP83):c.583C>T (p.Arg195Cys)

Gene: CEP83 (centrosomal protein 83; minus strand). Cytogenetic location: 12q22.
Variant type: single nucleotide variant.
Coding change: c.583C>T on transcript NM_016122.3 (MANE Select); coding-DNA position 583, C replaced by T.
Protein change: p.Arg195Cys; replaces arginine 195 with cysteine.
Molecular consequence: missense variant. On other transcripts: non-coding transcript variant (3).
Genome position (GRCh38, 1-based): chr12:94,379,009, G>A on the plus strand (C>T on the coding strand, the complement: CEP83 is on the minus strand). VCF-style: chr12-94379009-G-A. GRCh37 (hg19) VCF-style: chr12-94772785-G-A.
Other names: c.583C>T, p.Arg195Cys (NM_001042399.2, NM_001346457.2, NM_001346460.2 and 3 more transcripts); c.271C>T, p.Arg91Cys (NM_001346458.2, NM_001346459.2, NM_001346462.2 and 2 more transcripts); c.358C>T, p.Arg120Cys (NM_001368041.1); c.46C>T, p.Arg16Cys (NM_001368042.1); c.583C>T (NM_016122.2); short protein forms R120C, R195C, R16C, R91C.
Identifiers: ClinVar variation 1401209 (VCV001401209.7), dbSNP rs550020211, ClinGen allele CA6721889.
Genomic context (GRCh38, chr12:94,379,009, plus strand): 5'-GAGCAAGTTGTTCCACTCGTTTGCTGTCTTTTGTGAGATCAACATTAAGCAGCTGGTTAC[G>A]TAGTTCTTCTTTATCTTCCTCCAGTCTTGCAATCTAATAATAATTTTAAAGAAAGCATAC-3'
Protein context (NP_057206.2, residues 185-205): ARLEEDKEEL[Arg195Cys]NQLLNVDLTK